The following is an entry in ClinVar:

NM_012281.3(KCND2):c.989C>A (p.Ser330Ter)

Gene: KCND2 (potassium voltage-gated channel subfamily D member 2; plus strand). Cytogenetic location: 7q31.31.
Variant type: single nucleotide variant.
Coding change: c.989C>A on transcript NM_012281.3 (MANE Select); coding-DNA position 989, C replaced by A.
Protein change: p.Ser330Ter; replaces serine 330 with a stop codon.
Molecular consequence: nonsense.
Genome position (GRCh38, 1-based): chr7:120,275,621, C>A. VCF-style: chr7-120275621-C-A. GRCh37 (hg19) VCF-style: chr7-119915675-C-A.
Other names: short protein forms S330*.
Identifiers: ClinVar variation 3664139 (VCV003664139.2).

ClinVar aggregate classification (germline): Uncertain significance (1 of 4 stars; one submission).

Conditions:
Early Myoclonic Encephalopathy. Identifiers: MedGen C0270855.

Submission:

Labcorp Genetics (formerly Invitae), Labcorp
Classification: Uncertain significance for Early Myoclonic Encephalopathy. Last evaluated: 2024-09-01. Review status: criteria provided, single submitter. Criteria: Invitae Variant Classification Sherloc (09022015). Collection method: clinical testing. Allele origin: germline.
Comment: This sequence change creates a premature translational stop signal (p.Ser330*) in the KCND2 gene. It is expected to result in an absent or disrupted protein product. However, the current clinical and genetic evidence is not sufficient to establish whether loss-of-function variants in KCND2 cause disease. This variant is not present in population databases (gnomAD no frequency). This variant has not been reported in the literature in individuals affected with KCND2-related conditions. Algorithms developed to predict the effect of sequence changes on RNA splicing suggest that this variant may create or strengthen a splice site. In summary, the available evidence is currently insufficient to determine the role of this variant in disease. Therefore, it has been classified as a Variant of Uncertain Significance.